The following is an entry in ClinVar:

NM_000090.4(COL3A1):c.1961G>A (p.Gly654Glu)

Gene: COL3A1 (collagen type III alpha 1 chain; plus strand). Cytogenetic location: 2q32.2.
Variant type: single nucleotide variant.
Coding change: c.1961G>A on transcript NM_000090.4 (MANE Select); coding-DNA position 1961, G replaced by A.
Protein change: p.Gly654Glu; replaces glycine 654 with glutamic acid.
Molecular consequence: missense variant.
Genome position (GRCh38, 1-based): chr2:188,998,303, G>A. VCF-style: chr2-188998303-G-A. GRCh37 (hg19) VCF-style: chr2-189863029-G-A.
Identifiers: ClinVar variation 101342 (VCV000101342.5), dbSNP rs587779620, ClinGen allele CA004767.

ClinVar aggregate classification (germline): Likely pathogenic. Review status: criteria provided, multiple submitters, no conflicts (2 of 4 stars). 4 submissions from 4 submitters: Likely pathogenic (3). 1 of the submissions does not count toward it. Last evaluated 2025-07-27.

Conditions:
Ehlers-Danlos syndrome, type 4 (EDSVASC). Also called: Ehlers-Danlos syndrome vascular type; Ehlers Danlos syndrome, ecchymotic type; Ehlers Danlos syndrome, arterial type; Ehlers Danlos syndrome, Sack-Barabas type; Ehlers-Danlos Syndrome Type IV. Identifiers: Orphanet 286, MedGen C0268338, MONDO:0017314, OMIM 130050.
Polymicrogyria with or without vascular-type Ehlers-Danlos syndrome. Identifiers: Orphanet 636941, MedGen C5193040, MONDO:0032688, OMIM 618343.
Familial thoracic aortic aneurysm and aortic dissection (TAAD). Also called: Thoracic aortic aneurysms and dissections. Identifiers: Orphanet 91387, MedGen C4707243, MONDO:0019625.

Submissions (4):

Labcorp Genetics (formerly Invitae), Labcorp
Classification: Likely pathogenic for Ehlers-Danlos syndrome, type 4. Last evaluated: 2025-07-27. Review status: criteria provided, single submitter. Criteria: Invitae Variant Classification Sherloc (09022015). Collection method: clinical testing. Allele origin: germline.
Comment: This sequence change replaces glycine, which is neutral and non-polar, with glutamic acid, which is acidic and polar, at codon 654 of the COL3A1 protein (p.Gly654Glu). This variant is not present in population databases (gnomAD no frequency). This missense change has been observed in individual(s) with Ehlers-Danlos syndrome (PMID: 24922459). ClinVar contains an entry for this variant (Variation ID: 101342). Invitae Evidence Modeling of protein sequence and biophysical properties (such as structural, functional, and spatial information, amino acid conservation, physicochemical variation, residue mobility, and thermodynamic stability) indicates that this missense variant is expected to disrupt COL3A1 protein function with a positive predictive value of 95%. This variant disrupts the triple helix domain of COL3A1. Glycine residues within the Gly-Xaa-Yaa repeats of the triple helix domain are required for the structure and stability of fibrillar collagens (PMID: 7695699, 8218237, 19344236). In COL3A1, variants that affect these glycine residues are significantly enriched in individuals with disease (PMID: 24922459, 25758994) compared to the general population (ExAC). In summary, the currently available evidence indicates that the variant is pathogenic, but additional data are needed to prove that conclusively. Therefore, this variant has been classified as Likely Pathogenic.

Ambry Genetics
Classification: Likely pathogenic for Familial thoracic aortic aneurysm and aortic dissection. Last evaluated: 2024-10-17. Review status: criteria provided, single submitter. Criteria: Ambry Variant Classification Scheme 2023. Collection method: clinical testing. Allele origin: germline.
Comment: The p.G654E variant (also known as c.1961G>A), located in coding exon 28 of the COL3A1 gene, results from a G to A substitution at nucleotide position 1961. The glycine at codon 654 is replaced by glutamic acid, an amino acid with similar properties. The majority (approximately two-thirds) ofCOL3A1mutations identified to date have involved the substitution of another amino acid for glycine within the triple-helical domain (PepinMG et al.GenetMed.2014;16(12):881-8; Frank M et al.Eur J Hum Genet. 2015;23(12):1657-64). Internal structural analysis indicates that this alteration disrupts the characteristic G-X-Y motif in theCOL3A1protein and inserts a bulky side chain into asterically-constrainedregion (Bella J et al.Science.1994;266:75-81;HohenesterE et al.Proc. Natl.Acad. Sci. U.S.A.2008;105:18273-7; Ambry internal data). This variant was reported in individuals with features consistent with vascular Ehlers-Danlos syndrome (EDS) (Pepin MG et al. Genet Med, 2014 Dec;16:881-8; Butler MG et al. Genes (Basel), 2022 Feb;13:[ePub ahead of print]). This amino acid position is well conserved in available vertebrate species. In addition, this alteration is predicted to be deleterious by in silico analysis. This variant is considered to be rare based on population cohorts in the Genome Aggregation Database (gnomAD). Based on the majority of available evidence to date, this variant is likely to be pathogenic.

Fulgent Genetics
Classification: Likely pathogenic for Ehlers-Danlos syndrome, type 4; Polymicrogyria with or without vascular-type Ehlers-Danlos syndrome. Last evaluated: 2021-08-25. Review status: criteria provided, single submitter. Criteria: ACMG Guidelines, 2015. Collection method: clinical testing. Allele origin: unknown.

Collagen Diagnostic Laboratory, University of Washington
Classification: Pathogenic for Ehlers-Danlos syndrome, type 4. Review status: no assertion criteria provided. Collection method: clinical testing. Allele origin: germline. Affected: yes. Not counted in ClinVar's aggregate classification.

Literature cited by the submitters: PubMed 24922459 (cited by Labcorp Genetics (formerly Invitae), Labcorp and Ambry Genetics); PubMed 7695699 (cited by Labcorp Genetics (formerly Invitae), Labcorp); PubMed 8218237 (cited by Labcorp Genetics (formerly Invitae), Labcorp); PubMed 19344236 (cited by Labcorp Genetics (formerly Invitae), Labcorp); PubMed 25758994 (cited by Labcorp Genetics (formerly Invitae), Labcorp); PubMed 35205368 (cited by Ambry Genetics).